The following is an entry in ClinVar:

NM_001843.4(CNTN1):c.1508A>T (p.Asp503Val)

Gene: CNTN1 (contactin 1; plus strand). Cytogenetic location: 12q12.
Variant type: single nucleotide variant.
Coding change: c.1508A>T on transcript NM_001843.4 (MANE Select); coding-DNA position 1508, A replaced by T.
Protein change: p.Asp503Val; replaces aspartic acid 503 with valine.
Molecular consequence: missense variant.
Genome position (GRCh38, 1-based): chr12:40,943,995, A>T. VCF-style: chr12-40943995-A-T. GRCh37 (hg19) VCF-style: chr12-41337797-A-T.
Other names: p.Asp503Val; c.1508A>T (NM_001843.3); c.1508A>T, p.Asp503Val (NM_001256063.2, NM_001256064.2); c.1475A>T, p.Asp492Val (NM_175038.2); short protein forms D492V, D503V.
Identifiers: ClinVar variation 1395849 (VCV001395849.4), dbSNP rs199754941, ClinGen allele CA235406295.
Genomic context (GRCh38, chr12:40,943,995, plus strand): 5'-ACCAGATAATATTGTGTCTTATATCTTCTTGAATTGTGCTTTACATTTAAAAATATATAG[A>T]TCCTACGCGAATTATATTGGCCCCAATTAATGCCGATATCACAGTTGGAGAAAACGCCAC-3'
Protein context (NP_001834.2, residues 493-513): ANSTGTLVIT[Asp503Val]PTRIILAPIN

ClinVar aggregate classification (germline): Uncertain significance. Review status: criteria provided, multiple submitters, no conflicts (2 of 4 stars). 2 submissions from 2 submitters: Uncertain significance (2). Last evaluated 2022-05-27.

Conditions:
Compton-North congenital myopathy (CMYO12). Identifiers: Orphanet 210163, MedGen C2675527, MONDO:0012929, OMIM 612540.

gnomAD v4.1: 2 of 1,613,108 alleles (0.00012%); highest among the groups gnomAD compares: Non-Finnish European, 0.000085%; no homozygotes.

Submissions (2):

Mayo Clinic Laboratories, Mayo Clinic
Classification: Uncertain significance. Last evaluated: 2022-05-27. Review status: criteria provided, single submitter. Criteria: ACMG Guidelines, 2015. Collection method: clinical testing. Allele origin: germline. Observed: 1 variant allele.
Comment: BP4

Labcorp Genetics (formerly Invitae), Labcorp
Classification: Uncertain significance for Compton-North congenital myopathy. Last evaluated: 2021-10-19. Review status: criteria provided, single submitter. Criteria: Invitae Variant Classification Sherloc (09022015). Collection method: clinical testing. Allele origin: germline.
Comment: This sequence change replaces aspartic acid with valine at codon 503 of the CNTN1 protein (p.Asp503Val). The aspartic acid residue is moderately conserved and there is a large physicochemical difference between aspartic acid and valine. This variant is not present in population databases (ExAC no frequency). This variant has not been reported in the literature in individuals affected with CNTN1-related conditions. Algorithms developed to predict the effect of missense changes on protein structure and function (SIFT, PolyPhen-2, Align-GVGD) all suggest that this variant is likely to be tolerated. Algorithms developed to predict the effect of sequence changes on RNA splicing suggest that this variant may disrupt the consensus splice site. In summary, the available evidence is currently insufficient to determine the role of this variant in disease. Therefore, it has been classified as a Variant of Uncertain Significance.